The following is an entry in ClinVar:

ClinVar aggregate classification (germline): Uncertain significance. Review status: criteria provided, multiple submitters, no conflicts (2 of 4 stars). 2 submissions from 2 submitters: Uncertain significance (2). Last evaluated 2025-11-05.

Conditions:
Inborn genetic diseases. Identifiers: MedGen C0950123, MeSH D030342.
Neuropathy, hereditary motor and sensory, type 6B (HMSN6B). Also called: HMSN VIB; CHARCOT-MARIE-TOOTH DISEASE, TYPE 6B; NEUROPATHY, HEREDITARY MOTOR AND SENSORY, TYPE VIB, WITH OPTIC ATROPHY; Neuropathy, hereditary motor and sensory, type VIB. Identifiers: MedGen C4225302, MONDO:0014671, OMIM 616505.

Allele frequency attached by ClinVar (database versions not stated): gnomAD exomes below 0.00001; TOPMed below 0.00001; gnomAD 0.00002.
gnomAD v4.1: 4 of 1,564,958 alleles (0.00026%); highest among the groups gnomAD compares: African/African-American, 0.0042%; no homozygotes.

Submissions (2):

Ambry Genetics
Classification: Uncertain significance for Inborn genetic diseases. Last evaluated: 2025-11-05. Review status: criteria provided, single submitter. Criteria: Ambry Variant Classification Scheme 2023. Collection method: clinical testing. Allele origin: germline.

Labcorp Genetics (formerly Invitae), Labcorp
Classification: Uncertain significance for Neuropathy, hereditary motor and sensory, type 6B. Last evaluated: 2022-04-29. Review status: criteria provided, single submitter. Criteria: Invitae Variant Classification Sherloc (09022015). Collection method: clinical testing. Allele origin: germline.
Comment: Algorithms developed to predict the effect of missense changes on protein structure and function are either unavailable or do not agree on the potential impact of this missense change (SIFT: "Deleterious"; PolyPhen-2: "Benign"; Align-GVGD: "Class C25"). This variant has not been reported in the literature in individuals affected with SLC25A46-related conditions. This variant is present in population databases (no rsID available, gnomAD 0.02%). This sequence change replaces isoleucine, which is neutral and non-polar, with threonine, which is neutral and polar, at codon 222 of the SLC25A46 protein (p.Ile222Thr). In summary, the available evidence is currently insufficient to determine the role of this variant in disease. Therefore, it has been classified as a Variant of Uncertain Significance.

NM_138773.4(SLC25A46):c.665T>C (p.Ile222Thr)

Gene: SLC25A46 (solute carrier family 25 member 46; plus strand). Cytogenetic location: 5q22.1.
Variant type: single nucleotide variant.
Coding change: c.665T>C on transcript NM_138773.4 (MANE Select); coding-DNA position 665, T replaced by C.
Protein change: p.Ile222Thr; replaces isoleucine 222 with threonine.
Molecular consequence: missense variant. On other transcripts: non-coding transcript variant (1).
Genome position (GRCh38, 1-based): chr5:110,756,746, T>C. VCF-style: chr5-110756746-T-C. GRCh37 (hg19) VCF-style: chr5-110092446-T-C.
Other names: c.665T>C, p.Ile222Thr (NM_001303249.3); c.392T>C, p.Ile131Thr (NM_001303250.3); c.665T>C (NM_138773.1); short protein forms I131T, I222T.
Identifiers: ClinVar variation 1988729 (VCV001988729.5), dbSNP rs1185807948, ClinGen allele CA360695928.